The following is an entry in ClinVar:

NM_012301.4(MAGI2):c.3718C>T (p.Pro1240Ser)

Gene: MAGI2 (membrane associated guanylate kinase, WW and PDZ domain containing 2; minus strand). Cytogenetic location: 7q21.11.
Variant type: single nucleotide variant.
Coding change: c.3718C>T on transcript NM_012301.4 (MANE Select); coding-DNA position 3718, C replaced by T.
Protein change: p.Pro1240Ser; replaces proline 1240 with serine.
Molecular consequence: missense variant.
Genome position (GRCh38, 1-based): chr7:78,019,965, G>A on the plus strand (C>T on the coding strand, the complement: MAGI2 is on the minus strand). VCF-style: chr7-78019965-G-A. GRCh37 (hg19) VCF-style: chr7-77649282-G-A.
Other names: c.3676C>T, p.Pro1226Ser (NM_001301128.2); short protein forms P1226S, P1240S.
Identifiers: ClinVar variation 4847402 (VCV004847402.1).

ClinVar aggregate classification (germline): Uncertain significance (1 of 4 stars; one submission).

gnomAD v4.1: 36 of 1,605,564 alleles (0.0022%); highest among the groups gnomAD compares: African/African-American, 0.038%; no homozygotes.

Submission:

Women's Health and Genetics/Laboratory Corporation of America, LabCorp
Classification: Uncertain significance. Last evaluated: 2026-03-09. Review status: criteria provided, single submitter. Criteria: LabCorp Variant Classification Summary - May 2015. Collection method: clinical testing. Allele origin: germline.
Comment: Variant summary: MAGI2 c.3718C>T (p.Pro1240Ser) results in a non-conservative amino acid change in the encoded protein sequence. Algorithms developed to predict the effect of missense changes on protein structure and function are either unavailable or do not agree on the potential impact of this missense change. The variant allele was found at a frequency of 3.4e-05 in 235060 control chromosomes. The available data on variant occurrences in the general population are insufficient to allow any conclusion about variant significance. To our knowledge, no occurrence of c.3718C>T in individuals affected with MAGI2-related conditions and no experimental evidence demonstrating its impact on protein function have been reported. No submitters have cited clinical-significance assessments for this variant to ClinVar. Based on the evidence outlined above, the variant was classified as uncertain significance.